The following is an entry in ClinVar:

ClinVar aggregate classification (germline): Uncertain significance (1 of 4 stars; one submission).

Submission:

Labcorp Genetics (formerly Invitae), Labcorp
Classification: Uncertain significance. Last evaluated: 2023-09-19. Review status: criteria provided, single submitter. Criteria: Invitae Variant Classification Sherloc (09022015). Collection method: clinical testing. Allele origin: germline.
Comment: This sequence change replaces isoleucine, which is neutral and non-polar, with methionine, which is neutral and non-polar, at codon 374 of the IMPG1 protein (p.Ile374Met). This variant is not present in population databases (gnomAD no frequency). This variant has not been reported in the literature in individuals affected with IMPG1-related conditions. An algorithm developed to predict the effect of missense changes on protein structure and function (PolyPhen-2) suggests that this variant is likely to be disruptive. In summary, the available evidence is currently insufficient to determine the role of this variant in disease. Therefore, it has been classified as a Variant of Uncertain Significance.

NM_001563.4(IMPG1):c.1122T>G (p.Ile374Met)

Gene: IMPG1 (interphotoreceptor matrix proteoglycan 1; minus strand). Cytogenetic location: 6q14.1.
Variant type: single nucleotide variant.
Coding change: c.1122T>G on transcript NM_001563.4 (MANE Select); coding-DNA position 1122, T replaced by G.
Protein change: p.Ile374Met; replaces isoleucine 374 with methionine.
Molecular consequence: missense variant.
Genome position (GRCh38, 1-based): chr6:76,005,300, A>C on the plus strand (T>G on the coding strand, the complement: IMPG1 is on the minus strand). VCF-style: chr6-76005300-A-C. GRCh37 (hg19) VCF-style: chr6-76715017-A-C.
Other names: c.888T>G, p.Ile296Met (NM_001282368.2); short protein forms I296M, I374M.
Identifiers: ClinVar variation 2761525 (VCV002761525.3), dbSNP rs1457656443, ClinGen allele CA364773035.